The following is an entry in ClinVar:

NM_001009996.3(DALRD3):c.430G>A (p.Asp144Asn)

Gene: DALRD3 (DALR anticodon binding domain containing 3; minus strand). Cytogenetic location: 3p21.31.
Variant type: single nucleotide variant.
Coding change: c.430G>A on transcript NM_001009996.3 (MANE Select); coding-DNA position 430, G replaced by A.
Protein change: p.Asp144Asn; replaces aspartic acid 144 with asparagine.
Molecular consequence: missense variant. On other transcripts: 5 prime UTR variant (1).
Genome position (GRCh38, 1-based): chr3:49,018,054, C>T on the plus strand (G>A on the coding strand, the complement: DALRD3 is on the minus strand). VCF-style: chr3-49018054-C-T. GRCh37 (hg19) VCF-style: chr3-49055487-C-T.
Other names: c.430G>A, p.Asp144Asn (NM_001276405.2); c.-72G>A (NM_018114.6); short protein forms D144N.
Identifiers: ClinVar variation 3080039 (VCV003080039.2), dbSNP rs371931327, ClinGen allele CA2389966.

ClinVar aggregate classification (germline): Uncertain significance (1 of 4 stars; one submission).

Allele frequency attached by ClinVar (database versions not stated): ESP Exome Variant Server 0.00008; 1000 Genomes Project 30x 0.00031.

Submission:

Ambry Genetics
Classification: Uncertain significance. Last evaluated: 2026-06-25. Review status: criteria provided, single submitter. Criteria: Ambry Variant Classification Scheme 2023. Collection method: clinical testing. Allele origin: germline.
Comment: The c.430G>A (p.D144N) alteration is located in exon 2 (coding exon 2) of the DALRD3 gene. This alteration results from a G to A substitution at nucleotide position 430, causing the aspartic acid (D) at amino acid position 144 to be replaced by an asparagine (N). Based on data from gnomAD, the A allele has an overall frequency of 0.002% (2/120480) total alleles studied. The highest observed frequency was 0.01% (1/10374) of African alleles. Based on insufficient or conflicting evidence, the clinical significance of this alteration remains unclear.